The following is an entry in ClinVar:

NM_020921.4(NIN):c.3623T>C (p.Met1208Thr)

Gene: NIN (ninein; minus strand). Cytogenetic location: 14q22.1.
Variant type: single nucleotide variant.
Coding change: c.3623T>C on transcript NM_020921.4 (MANE Select); coding-DNA position 3623, T replaced by C.
Protein change: p.Met1208Thr; replaces methionine 1208 with threonine.
Molecular consequence: missense variant. On other transcripts: intron variant (1).
Genome position (GRCh38, 1-based): chr14:50,757,407, A>G on the plus strand (T>C on the coding strand, the complement: NIN is on the minus strand). VCF-style: chr14-50757407-A-G. GRCh37 (hg19) VCF-style: chr14-51224125-A-G.
Other names: c.3623T>C, p.Met1208Thr (NM_182944.3, NM_182946.2); c.2399+2450T>C (NM_016350.5); short protein forms M1208T.
Identifiers: ClinVar variation 2050450 (VCV002050450.4), dbSNP rs776221740, ClinGen allele CA7181708.

ClinVar aggregate classification (germline): Uncertain significance (1 of 4 stars; one submission).

Allele frequency attached by ClinVar (database versions not stated): TOPMed below 0.00001; gnomAD 0.00001; gnomAD exomes 0.00001; ExAC 0.00002.

Submission:

Labcorp Genetics (formerly Invitae), Labcorp
Classification: Uncertain significance. Last evaluated: 2022-03-12. Review status: criteria provided, single submitter. Criteria: Invitae Variant Classification Sherloc (09022015). Collection method: clinical testing. Allele origin: germline.
Comment: In summary, the available evidence is currently insufficient to determine the role of this variant in disease. Therefore, it has been classified as a Variant of Uncertain Significance. Algorithms developed to predict the effect of missense changes on protein structure and function output the following: SIFT: "Tolerated"; PolyPhen-2: "Benign"; Align-GVGD: "Class C0". The threonine amino acid residue is found in multiple mammalian species, which suggests that this missense change does not adversely affect protein function. This variant has not been reported in the literature in individuals affected with NIN-related conditions. This variant is present in population databases (rs776221740, gnomAD 0.01%). This sequence change replaces methionine, which is neutral and non-polar, with threonine, which is neutral and polar, at codon 1208 of the NIN protein (p.Met1208Thr).